The following is an entry in ClinVar:

ClinVar aggregate classification (germline): Uncertain significance (1 of 4 stars; one submission).

Conditions:
Atrial standstill 1 (ATRST1). Also called: Atrial standstill, digenic (GJA5/SCN5A); ATRIAL CARDIOMYOPATHY WITH HEART BLOCK; CARDIOMYOPATHY, FAMILIAL, WITH CONDUCTION DISTURBANCE. Identifiers: Orphanet 1344, MedGen C4551959, MONDO:0007171, OMIM 108770.
Atrial fibrillation, familial, 11 (ATFB11). Identifiers: MedGen C3279693, MONDO:0013544, OMIM 614049.

Submission:

Labcorp Genetics (formerly Invitae), Labcorp
Classification: Uncertain significance for Atrial fibrillation, familial, 11; Atrial standstill 1. Last evaluated: 2021-06-29. Review status: criteria provided, single submitter. Criteria: Invitae Variant Classification Sherloc (09022015). Collection method: clinical testing. Allele origin: germline.
Comment: This sequence change replaces arginine with histidine at codon 76 of the GJA5 protein (p.Arg76His). The arginine residue is highly conserved and there is a small physicochemical difference between arginine and histidine. In summary, the available evidence is currently insufficient to determine the role of this variant in disease. Therefore, it has been classified as a Variant of Uncertain Significance. Algorithms developed to predict the effect of missense changes on protein structure and function are either unavailable or do not agree on the potential impact of this missense change (SIFT: "Not Available"; PolyPhen-2: "Probably Damaging"; Align-GVGD: "Not Available"). This variant has not been reported in the literature in individuals affected with GJA5-related conditions. This variant is not present in population databases (ExAC no frequency).

NM_181703.4(GJA5):c.227G>A (p.Arg76His)

Gene: GJA5 (gap junction protein alpha 5; minus strand). Cytogenetic location: 1q21.2.
Variant type: single nucleotide variant.
Coding change: c.227G>A on transcript NM_181703.4 (MANE Select); coding-DNA position 227, G replaced by A.
Protein change: p.Arg76His; replaces arginine 76 with histidine.
Molecular consequence: missense variant.
Genome position (GRCh38, 1-based): chr1:147,759,012, C>T on the plus strand (G>A on the coding strand, the complement: GJA5 is on the minus strand). VCF-style: chr1-147759012-C-T. GRCh37 (hg19) VCF-style: chr1-147231120-C-T.
Other names: c.227G>A, p.Arg76His (NM_005266.7); short protein forms R76H.
Identifiers: ClinVar variation 1502322 (VCV001502322.6), dbSNP rs2148959382, ClinGen allele CA342397604.